The following is an entry in ClinVar:

NM_006579.3(EBP):c.289T>C (p.Leu97=)

Gene: EBP (EBP cholestenol delta-isomerase; plus strand). Cytogenetic location: Xp11.23.
Variant type: single nucleotide variant.
Coding change: c.289T>C on transcript NM_006579.3 (MANE Select); coding-DNA position 289, T replaced by C.
Protein change: p.Leu97=; no amino-acid change (leucine 97 retained).
Molecular consequence: synonymous variant.
Genome position (GRCh38, 1-based): chrX:48,524,060, T>C. VCF-style: chrX-48524060-T-C. GRCh37 (hg19) VCF-style: chrX-48382448-T-C.
Other names: c.289T>C (NM_006579.2).
Identifiers: ClinVar variation 1590534 (VCV001590534.15), dbSNP rs377038311, ClinGen allele CA10402998.
Genomic context (GRCh38, chrX:48,524,060, plus strand): 5'-CTGGTGATCGAGGGCTGGTTCGTTCTCTACTACGAAGACCTGCTTGGAGACCAAGCCTTC[T>C]TATCTCAACTCTGTGAGTCCTGATTTCTTTCATATGCTGTGGGATGGGATTTGCTGGGCA-3'
Protein context (NP_006570.1, residues 87-107): YEDLLGDQAF[Leu97=]SQLWKEYAKG

ClinVar aggregate classification (germline): Benign/Likely benign. Review status: criteria provided, multiple submitters, no conflicts (2 of 4 stars). 4 submissions from 4 submitters: Benign (1); Likely benign (3). Last evaluated 2026-05-19.

Conditions:
EBP-related disorder. Also called: EBP-related condition.

Allele frequency attached by ClinVar (database versions not stated): gnomAD exomes 0.00004 and 0.00013; gnomAD 0.00005 and 0.00006; TOPMed 0.00005; ExAC 0.00007; ESP Exome Variant Server 0.00028.
gnomAD v4.1: 151 of 1,209,598 alleles (0.012%); highest among the groups gnomAD compares: Non-Finnish European, 0.016%; no homozygotes.

Submissions (4):

PreventionGenetics, part of Exact Sciences
Classification: Likely benign for EBP-related condition. Last evaluated: 2026-05-19. Review status: criteria provided, single submitter. Criteria: ACMG Guidelines, 2015. Collection method: clinical testing. Allele origin: germline.
Comment: This variant is classified as likely benign based on ACMG/AMP sequence variant interpretation guidelines (Richards et al. 2015 PMID: 25741868, with internal and published modifications).

CeGaT Center for Human Genetics Tuebingen
Classification: Likely benign. Last evaluated: 2026-01-01. Review status: criteria provided, single submitter. Criteria: CeGaT Center For Human Genetics Tuebingen Variant Classification Criteria Version 2. Collection method: clinical testing. Allele origin: germline. Affected: yes. Observed: 1 variant allele.
Comment: EBP: BP4, BS2

Labcorp Genetics (formerly Invitae), Labcorp
Classification: Benign. Last evaluated: 2025-07-21. Review status: criteria provided, single submitter. Criteria: Invitae Variant Classification Sherloc (09022015). Collection method: clinical testing. Allele origin: germline.

Blueprint Genetics
Classification: Likely benign. Last evaluated: 2024-11-07. Review status: criteria provided, single submitter. Criteria: ACMG Guidelines, 2015. Collection method: clinical testing. Allele origin: germline.